The following is an entry in ClinVar:

ClinVar aggregate classification (germline): Conflicting classifications of pathogenicity. Review status: criteria provided, conflicting classifications (1 of 4 stars). 10 submissions from 10 submitters: Uncertain significance (3); Likely benign (2). 5 of the submissions do not count toward it. Last evaluated 2025-08-31.

Conditions:
BODY MASS INDEX QUANTITATIVE TRAIT LOCUS 20 (BMIQ20). Also called: MELANOCORTIN 4 RECEPTOR DEFICIENCY; MC4R DEFICIENCY. Identifiers: MedGen C4759928, OMIM 618406.
Obesity. Also called: Obesity disorder. Identifiers: Orphanet 71529, MedGen C0028754, MeSH D009765, MONDO:0011122, HP:0001513.

Allele frequency attached by ClinVar (database versions not stated): gnomAD exomes 0.00007 and 0.00006; ExAC 0.00005; gnomAD 0.00012 and 0.00013; TOPMed 0.00008.

Submissions (10):

Clinical Genomics Laboratory, Washington University in St. Louis
Classification: Uncertain significance for BODY MASS INDEX QUANTITATIVE TRAIT LOCUS 20. Last evaluated: 2025-08-31. Review status: criteria provided, single submitter. Criteria: ACMG Guidelines, 2015. Collection method: clinical testing. Allele origin: germline.
Comment: The MC4R c.110A>T (p.Asp37Val) variant, as part of the haplotype (p.Tyr35; p.Asp37Val*), has been reported in several individuals affected by obesity (Hinney A et al., PMID: 12970296; Lubrano-Berthelier C et al., PMID: 16507637). In the ClinVar database, this variant has been submitted as a germline likely benign variant by five submitters and as a variant of uncertain significance by three submitters. The highest minor allele frequency reported in the Genome Aggregation Database (v4.1.0) is 0.0086% in the European (non-Finnish) population. Computational predictions suggest that this variant does not significantly impact MC4R function. However, functional studies of the haplotype (p.Tyr35; p.Asp37Val*) show markedly reduced expression of the conformationally required receptor protein at the cell surface and decreased basal activity (<10%) compared to the wild type in HEK-293 cells, suggesting an impact on protein function (Lubrano-Berthelier C et al., PMID: 16507637; Xiang Z et al., PMID: 16752916). Due to limited available evidence and following ACMG/AMP guidelines for variant interpretation (Richards S et al., PMID: 25741868), the clinical significance of this variant remains uncertain at this time.

Labcorp Genetics (formerly Invitae), Labcorp
Classification: Uncertain significance. Last evaluated: 2025-02-04. Review status: criteria provided, single submitter. Criteria: Invitae Variant Classification Sherloc (09022015). Collection method: clinical testing. Allele origin: germline.
Comment: This sequence change replaces aspartic acid, which is acidic and polar, with valine, which is neutral and non-polar, at codon 37 of the MC4R protein (p.Asp37Val). This variant is present in population databases (rs13447325, gnomAD 0.02%). This missense change has been observed in individual(s) with clinical features associated with MC4R-related obesity (PMID: 12970296). ClinVar contains an entry for this variant (Variation ID: 14319). Invitae Evidence Modeling of protein sequence and biophysical properties (such as structural, functional, and spatial information, amino acid conservation, physicochemical variation, residue mobility, and thermodynamic stability) indicates that this missense variant is not expected to disrupt MC4R protein function with a negative predictive value of 80%. Experimental studies have shown that this missense change does not substantially affect MC4R function (PMID: 16752916). In summary, the available evidence is currently insufficient to determine the role of this variant in disease. Therefore, it has been classified as a Variant of Uncertain Significance.

Institute of Human Genetics, University of Leipzig Medical Center
Classification: Likely benign for BODY MASS INDEX QUANTITATIVE TRAIT LOCUS 20. Last evaluated: 2019-01-01. Review status: criteria provided, single submitter. Criteria: ACMG Guidelines, 2015. Collection method: clinical testing. Allele origin: unknown. Affected: yes.

Illumina Laboratory Services, Illumina
Classification: Uncertain significance for Inherited obesity. Last evaluated: 2017-04-27. Review status: criteria provided, single submitter. Criteria: ICSL Variant Classification Criteria 13 December 2019. Collection method: clinical testing. Allele origin: germline.

GeneDx
Classification: Likely benign. Last evaluated: 2016-05-27. Review status: criteria provided, single submitter. Criteria: GeneDx Variant Classification (06012015). Collection method: clinical testing. Allele origin: germline. Affected: yes.
Comment: This variant is considered likely benign or benign based on one or more of the following criteria: it is a conservative change, it occurs at a poorly conserved position in the protein, it is predicted to be benign by multiple in silico algorithms, and/or has population frequency not consistent with disease.

Clinical Molecular Genetics Laboratory, Johns Hopkins All Children's Hospital
Classification: Uncertain significance for Obesity. Last evaluated: 2017-11-22. Review status: no assertion criteria provided. Collection method: clinical testing. Allele origin: germline. Affected: yes. Not counted in ClinVar's aggregate classification.
Comment: present with c.105C>A in two patients, phase not known

Women's Health and Genetics/Laboratory Corporation of America, LabCorp
No classification provided. Condition: Obesity. Last evaluated: 2015-10-02. Review status: no classification provided. Collection method: clinical testing. Allele origin: germline. Not counted in ClinVar's aggregate classification.

Clinical Genetics, Academic Medical Center
Classification: Likely benign. Review status: no assertion criteria provided. Collection method: clinical testing. Allele origin: germline. Affected: yes. Study: VKGL Data-share Consensus. Not counted in ClinVar's aggregate classification.

Diagnostic Laboratory, Department of Genetics, University Medical Center Groningen
Classification: Likely benign for Inherited obesity. Review status: no assertion criteria provided. Collection method: clinical testing. Allele origin: germline. Affected: yes. Study: VKGL Data-share Consensus. Not counted in ClinVar's aggregate classification.

Genome Diagnostics Laboratory, University Medical Center Utrecht
Classification: Likely benign. Review status: no assertion criteria provided. Collection method: clinical testing. Allele origin: germline. Affected: yes. Study: VKGL Data-share Consensus. Not counted in ClinVar's aggregate classification.

Literature cited by the submitters: PubMed 12970296 (cited by Labcorp Genetics (formerly Invitae), Labcorp); PubMed 16752916 (cited by Labcorp Genetics (formerly Invitae), Labcorp).

NM_005912.2(MC4R):c.110A>T (p.Asp37Val)

Gene: MC4R (melanocortin 4 receptor; minus strand). Cytogenetic location: 18q21.32.
Variant type: single nucleotide variant.
Coding change: c.110A>T on transcript NM_005912.2; coding-DNA position 110, A replaced by T.
Protein change: p.Asp37Val; replaces aspartic acid 37 with valine.
Molecular consequence: missense variant (on NM_005912.3).
Genome position (GRCh38, 1-based): chr18:60,372,240, T>A on the plus strand (A>T on the coding strand, the complement: MC4R is on the minus strand). VCF-style: chr18-60372240-T-A. GRCh37 (hg19) VCF-style: chr18-58039473-T-A.
Other names: c.110A>T, p.Asp37Val (NM_005912.3); short protein forms D37V.
Identifiers: ClinVar variation 14319 (VCV000014319.13), dbSNP rs13447325, ClinGen allele CA213428.